The following is an entry in ClinVar:

NM_018389.5(SLC35C1):c.220A>G (p.Ile74Val)

Gene: SLC35C1 (solute carrier family 35 member C1; plus strand). Cytogenetic location: 11p11.2.
Variant type: single nucleotide variant.
Coding change: c.220A>G on transcript NM_018389.5 (MANE Select); coding-DNA position 220, A replaced by G.
Protein change: p.Ile74Val; replaces isoleucine 74 with valine.
Molecular consequence: missense variant.
Genome position (GRCh38, 1-based): chr11:45,806,021, A>G. VCF-style: chr11-45806021-A-G. GRCh37 (hg19) VCF-style: chr11-45827572-A-G.
Other names: c.181A>G, p.Ile61Val (NM_001145265.2, NM_001145266.2); short protein forms I61V, I74V.
Identifiers: ClinVar variation 941811 (VCV000941811.8), dbSNP rs1184839008, ClinGen allele CA380202521.

ClinVar aggregate classification (germline): Uncertain significance. Review status: criteria provided, multiple submitters, no conflicts (2 of 4 stars). 2 submissions from 2 submitters: Uncertain significance (2). Last evaluated 2024-08-28.

Conditions:
Inborn genetic diseases. Identifiers: MedGen C0950123, MeSH D030342.
Leukocyte adhesion deficiency type II. Also called: CONGENITAL DISORDER OF GLYCOSYLATION, TYPE IIc; CDG IIc; Congenital disorder of glycosylation type 2C; CDG 2C; Leukocyte adhesion deficiency type 2; Rambam Hasharon syndrome. Identifiers: Orphanet 2968, Orphanet 99843, MedGen C0398739, MONDO:0009953, OMIM 266265.

Allele frequency attached by ClinVar (database versions not stated): gnomAD exomes below 0.00001; gnomAD 0.00001; TOPMed 0.00002.
gnomAD v4.1: 5 of 1,613,688 alleles (0.00031%); highest among the groups gnomAD compares: African/African-American, 0.0053%; no homozygotes.

Submissions (2):

Ambry Genetics
Classification: Uncertain significance for Inborn genetic diseases. Last evaluated: 2024-08-28. Review status: criteria provided, single submitter. Criteria: Ambry Variant Classification Scheme 2023. Collection method: clinical testing. Allele origin: germline.

Labcorp Genetics (formerly Invitae), Labcorp
Classification: Uncertain significance for Leukocyte adhesion deficiency type II. Last evaluated: 2019-05-29. Review status: criteria provided, single submitter. Criteria: Invitae Variant Classification Sherloc (09022015). Collection method: clinical testing. Allele origin: germline.
Comment: In summary, the available evidence is currently insufficient to determine the role of this variant in disease. Therefore, it has been classified as a Variant of Uncertain Significance. Algorithms developed to predict the effect of missense changes on protein structure and function (SIFT, PolyPhen-2, Align-GVGD) all suggest that this variant is likely to be tolerated, but these predictions have not been confirmed by published functional studies and their clinical significance is uncertain. This variant has not been reported in the literature in individuals with SLC35C1-related conditions. This variant is not present in population databases (ExAC no frequency). This sequence change replaces isoleucine with valine at codon 74 of the SLC35C1 protein (p.Ile74Val). The isoleucine residue is weakly conserved and there is a small physicochemical difference between isoleucine and valine.